The following is an entry in ClinVar:

NM_002852.4(PTX3):c.647C>G (p.Thr216Arg)

Genes: PTX3 (pentraxin 3; plus strand), VEPH1 (ventricular zone expressed PH domain containing 1; minus strand). Cytogenetic location: 3q25.32.
Variant type: single nucleotide variant.
Coding change: c.647C>G on transcript NM_002852.4 (MANE Select); coding-DNA position 647, C replaced by G.
Protein change: p.Thr216Arg; replaces threonine 216 with arginine.
Molecular consequence: missense variant. On other transcripts: intron variant (3).
Genome position (GRCh38, 1-based): chr3:157,442,480, C>G. VCF-style: chr3-157442480-C-G. GRCh37 (hg19) VCF-style: chr3-157160269-C-G.
Other names: c.530-13992G>C (NM_001167911.2, NM_001167912.2, NM_024621.2); short protein forms T216R.
Identifiers: ClinVar variation 3061251 (VCV003061251.2), dbSNP rs1734203852, ClinGen allele CA355173837.

ClinVar aggregate classification (germline): Uncertain significance (0 of 4 stars; one submission).

Conditions:
PTX3-related disorder. Also called: PTX3-related condition.

Allele frequency attached by ClinVar (database versions not stated): TOPMed below 0.00001; gnomAD exomes 0.00001.
gnomAD v4.1: 9 of 1,614,178 alleles (0.00056%); highest among the groups gnomAD compares: Non-Finnish European, 0.00076%; no homozygotes.

Submission:

PreventionGenetics, part of Exact Sciences
Classification: Uncertain significance for PTX3-related condition. Last evaluated: 2024-02-06. Review status: no assertion criteria provided. Collection method: clinical testing. Allele origin: germline.
Comment: The PTX3 c.647C>G variant is predicted to result in the amino acid substitution p.Thr216Arg. To our knowledge, this variant has not been reported in the literature or in a large population database, indicating this variant is rare. At this time, the clinical significance of this variant is uncertain due to the absence of conclusive functional and genetic evidence.